The following is an entry in ClinVar:

NM_000228.3(LAMB3):c.943+2T>A

Gene: LAMB3 (laminin subunit beta 3; minus strand). Cytogenetic location: 1q32.2.
Variant type: single nucleotide variant.
Coding change: c.943+2T>A on transcript NM_000228.3 (MANE Select); the canonical splice donor site of the intron after coding-DNA position 943, T replaced by A.
Molecular consequence: splice donor variant.
Genome position (GRCh38, 1-based): chr1:209,630,613, A>T on the plus strand (T>A on the coding strand, the complement: LAMB3 is on the minus strand). VCF-style: chr1-209630613-A-T. GRCh37 (hg19) VCF-style: chr1-209803958-A-T.
Other names: c.943+2T>A (NM_001127641.1, NM_001017402.2).
Identifiers: ClinVar variation 551313 (VCV000551313.3), dbSNP rs1464038626, ClinGen allele CA344593191.

ClinVar aggregate classification (germline): Likely pathogenic. Review status: criteria provided, single submitter (1 of 4 stars). 2 submissions from 2 submitters: Likely pathogenic (1). 1 of the submissions does not count toward it. Last evaluated 2026-07-30.

Conditions:
Junctional epidermolysis bullosa. Identifiers: Orphanet 305, MedGen C0079301, MONDO:0017612.
Junctional epidermolysis bullosa gravis of Herlitz. Also called: EPIDERMOLYSIS BULLOSA, JUNCTIONAL 1B, SEVERE; Epidermolysis Bullosa Letalis; Herlitz-type junctional epidermolysis bullosa; EPIDERMOLYSIS BULLOSA JUNCTIONALIS, HERLITZ TYPE; EPIDERMOLYSIS BULLOSA, JUNCTIONAL, HERLITZ-PEARSON TYPE; JEB-HERLITZ TYPE. Identifiers: Orphanet 79404, MedGen C0079683, MONDO:0009182, OMIM 226700.

Submissions (2):

Myriad Genetics, Inc.
Classification: Likely pathogenic for Junctional epidermolysis bullosa. Last evaluated: 2026-07-30. Review status: criteria provided, single submitter. Criteria: Myriad Autosomal Dominant, Autosomal Recessive and X-Linked Classification Criteria (2023). Collection method: clinical testing. Allele origin: unknown.
Comment: NM_000228.2(LAMB3):c.943+2T>A is a variant in a canonical splice site classified as likely pathogenic in the context of junctional epidermolysis bullosa, LAMB3-related. c.943+2T>A has not been observed in cases with relevant disease. Relevant functional assessments of this variant are not available in the literature. c.943+2T>A has not been observed in referenced population frequency databases. In summary, NM_000228.2(LAMB3):c.943+2T>A is a variant in a canonical splice site in a gene where loss of function is a known mechanism of disease and is predicted to disrupt protein function. Please note: this variant was assessed in the context of healthy population screening.

Counsyl
Classification: Likely pathogenic for Junctional epidermolysis bullosa gravis of Herlitz. Last evaluated: 2017-04-03. Review status: no assertion criteria provided. Collection method: clinical testing. Allele origin: unknown. Not counted in ClinVar's aggregate classification.